The following is an entry in ClinVar:

ClinVar aggregate classification (germline): Pathogenic/Likely pathogenic. Review status: criteria provided, multiple submitters, no conflicts (2 of 4 stars). 4 submissions from 4 submitters: Pathogenic (3); Likely pathogenic (1). Last evaluated 2024-12-18.

Conditions:
Hereditary cancer-predisposing syndrome. Also called: Tumor predisposition; Hereditary Cancer Syndrome; Hereditary neoplastic syndrome; Neoplastic Syndromes, Hereditary. Identifiers: Orphanet 140162, MedGen C0027672, MeSH D009386, MONDO:0015356.
Familial adenomatous polyposis 1 (FAP1). Also called: FAMILIAL ADENOMATOUS POLYPOSIS 1, ATTENUATED; POLYPOSIS, ADENOMATOUS INTESTINAL. Identifiers: MedGen C2713442, MONDO:0021056, OMIM 175100. Disease mechanism: loss of function.

Submissions (4):

Labcorp Genetics (formerly Invitae), Labcorp
Classification: Pathogenic for Familial adenomatous polyposis 1. Last evaluated: 2024-12-18. Review status: criteria provided, single submitter. Criteria: Invitae Variant Classification Sherloc (09022015). Collection method: clinical testing. Allele origin: germline.
Comment: This sequence change creates a premature translational stop signal (p.Arg2326*) in the APC gene. While this is not anticipated to result in nonsense mediated decay, it is expected to disrupt the last 518 amino acid(s) of the APC protein. This variant is not present in population databases (gnomAD no frequency). This premature translational stop signal has been observed in individual(s) with APC-related disease (internal data). ClinVar contains an entry for this variant (Variation ID: 411530). This variant is expected to disrupt the EB1 and HDLG binding sites, which mediate interactions with the cytoskeleton (PMID: 15311282, 17293347). While functional studies have not been performed to directly test the effect on APC protein function, this suggests that disruption of the C-terminal portion of the protein is functionally important. A different truncation (p.Tyr2645Lysfs*14) that lies downstream of this variant has been determined to be pathogenic (PMID: 9824584, 1316610, 27081525, 8381579, 22135120, internal data). This suggests that deletion of this region of the APC protein is causative of disease. For these reasons, this variant has been classified as Pathogenic.

Ambry Genetics
Classification: Pathogenic for Hereditary cancer-predisposing syndrome. Last evaluated: 2023-10-12. Review status: criteria provided, single submitter. Criteria: Ambry Variant Classification Scheme 2023. Collection method: clinical testing. Allele origin: germline.
Comment: The p.R2326* pathogenic mutation (also known as c.6976C>T), located in coding exon 15 of the APC gene, results from a C to T substitution at nucleotide position 6976. This changes the amino acid from an arginine to a stop codon within coding exon 15. This alteration occurs at the 3' terminus of theAPC gene, is not expected to trigger nonsense-mediated mRNA decay, and only impacts the last 518 amino acids of the protein. However, premature stop codons are typically deleterious in nature and a significant portion of the protein is affected (Ambry internal data). This variant is considered to be rare based on population cohorts in the Genome Aggregation Database (gnomAD). Based on the supporting evidence, this alteration is interpreted as a disease-causing mutation.

Myriad Genetics, Inc.
Classification: Pathogenic for Familial adenomatous polyposis 1. Last evaluated: 2023-05-16. Review status: criteria provided, single submitter. Criteria: Myriad Autosomal Dominant, Autosomal Recessive and X-Linked Classification Criteria (2023). Collection method: clinical testing. Allele origin: unknown.
Comment: This variant is considered pathogenic. This variant creates a termination codon and is predicted to result in premature protein truncation.

Quest Diagnostics Nichols Institute San Juan Capistrano
Classification: Likely pathogenic. Last evaluated: 2018-09-25. Review status: criteria provided, single submitter. Criteria: Quest Diagnostics criteria. Collection method: clinical testing. Allele origin: germline.
Comment: The variant creates a premature nonsense codon, and is therefore predicted to significantly disrupt the protein structure. Not found in the total gnomAD dataset, and the data are high quality (0/276310 chr).

Literature cited by the submitters: PubMed 15311282 (cited by Labcorp Genetics (formerly Invitae), Labcorp); PubMed 17293347 (cited by Labcorp Genetics (formerly Invitae), Labcorp); PubMed 9824584 (cited by Labcorp Genetics (formerly Invitae), Labcorp); PubMed 1316610 (cited by Labcorp Genetics (formerly Invitae), Labcorp); PubMed 27081525 (cited by Labcorp Genetics (formerly Invitae), Labcorp); PubMed 8381579 (cited by Labcorp Genetics (formerly Invitae), Labcorp); PubMed 22135120 (cited by Labcorp Genetics (formerly Invitae), Labcorp).

NM_000038.6(APC):c.6976C>T (p.Arg2326Ter)

Gene: APC (APC regulator of Wnt signaling pathway; plus strand). Cytogenetic location: 5q22.2.
Variant type: single nucleotide variant.
Coding change: c.6976C>T on transcript NM_000038.6 (MANE Select); coding-DNA position 6976, C replaced by T.
Protein change: p.Arg2326Ter; replaces arginine 2326 with a stop codon.
Molecular consequence: nonsense.
Genome position (GRCh38, 1-based): chr5:112,842,570, C>T. VCF-style: chr5-112842570-C-T. GRCh37 (hg19) VCF-style: chr5-112178267-C-T.
Other names: c.6976C>T, p.Arg2326Ter (NM_001127510.3, NM_001354895.2); c.6922C>T, p.Arg2308Ter (NM_001127511.3); c.7030C>T, p.Arg2344Ter (NM_001354896.2); c.7006C>T, p.Arg2336Ter (NM_001354897.2); c.6901C>T, p.Arg2301Ter (NM_001354898.2); c.6892C>T, p.Arg2298Ter (NM_001354899.2); c.6853C>T, p.Arg2285Ter (NM_001354900.2); c.6799C>T, p.Arg2267Ter (NM_001354901.2); and 5 more; short protein forms R2326*, R2308*, R2200*, R2267*, R2336*, R2344*, R2043*, R2225*.
Identifiers: ClinVar variation 411530 (VCV000411530.16), dbSNP rs1060503355, ClinGen allele CA16036541.